The following is an entry in ClinVar:

NM_014795.4(ZEB2):c.2944T>C (p.Ser982Pro)

Gene: ZEB2 (zinc finger E-box binding homeobox 2; minus strand). Cytogenetic location: 2q22.3.
Variant type: single nucleotide variant.
Coding change: c.2944T>C on transcript NM_014795.4 (MANE Select); coding-DNA position 2944, T replaced by C.
Protein change: p.Ser982Pro; replaces serine 982 with proline.
Molecular consequence: missense variant.
Genome position (GRCh38, 1-based): chr2:144,396,535, A>G on the plus strand (T>C on the coding strand, the complement: ZEB2 is on the minus strand). VCF-style: chr2-144396535-A-G. GRCh37 (hg19) VCF-style: chr2-145154102-A-G.
Other names: c.2872T>C, p.Ser958Pro (NM_001171653.2); short protein forms S982P, S958P.
Identifiers: ClinVar variation 1029310 (VCV001029310.1), dbSNP rs1370024483, ClinGen allele CA348704446.

ClinVar aggregate classification (germline): Uncertain significance (1 of 4 stars; one submission).

Conditions:
Mowat-Wilson syndrome (MOWS). Also called: Classic Mowat-Wilson Syndrome. Identifiers: Orphanet 2152, MedGen C1856113, MONDO:0009341, OMIM 235730.

Allele frequency attached by ClinVar (database versions not stated): gnomAD exomes below 0.00001; TOPMed below 0.00001.
gnomAD v4.1: 1 of 1,614,056 alleles (0.000062%); highest among the groups gnomAD compares: Non-Finnish European, 0.000085%; no homozygotes.

Submission:

Baylor Genetics
Classification: Uncertain significance for Mowat-Wilson syndrome. Last evaluated: 2019-08-06. Review status: criteria provided, single submitter. Criteria: ACMG Guidelines, 2015. Collection method: clinical testing. Allele origin: maternal. Affected: yes.
Comment: This variant was determined to be of uncertain significance according to ACMG Guidelines, 2015 [PMID:25741868].